The following is an entry in ClinVar:

ClinVar aggregate classification (germline): Uncertain significance (1 of 4 stars; one submission).

Submission:

Labcorp Genetics (formerly Invitae), Labcorp
Classification: Uncertain significance. Last evaluated: 2022-10-17. Review status: criteria provided, single submitter. Criteria: Invitae Variant Classification Sherloc (09022015). Collection method: clinical testing. Allele origin: germline.
Comment: Advanced modeling of protein sequence and biophysical properties (such as structural, functional, and spatial information, amino acid conservation, physicochemical variation, residue mobility, and thermodynamic stability) performed at Invitae indicates that this missense variant is not expected to disrupt CDHR1 protein function. In summary, the available evidence is currently insufficient to determine the role of this variant in disease. Therefore, it has been classified as a Variant of Uncertain Significance. ClinVar contains an entry for this variant (Variation ID: 1042747). This variant has not been reported in the literature in individuals affected with CDHR1-related conditions. This variant is not present in population databases (gnomAD no frequency). This sequence change replaces proline, which is neutral and non-polar, with serine, which is neutral and polar, at codon 350 of the CDHR1 protein (p.Pro350Ser).

NM_033100.4(CDHR1):c.1048C>T (p.Pro350Ser)

Gene: CDHR1 (cadherin related family member 1; plus strand). Cytogenetic location: 10q23.1.
Variant type: single nucleotide variant.
Coding change: c.1048C>T on transcript NM_033100.4 (MANE Select); coding-DNA position 1048, C replaced by T.
Protein change: p.Pro350Ser; replaces proline 350 with serine.
Molecular consequence: missense variant.
Genome position (GRCh38, 1-based): chr10:84,208,258, C>T. VCF-style: chr10-84208258-C-T. GRCh37 (hg19) VCF-style: chr10-85968014-C-T.
Other names: c.1048C>T, p.Pro350Ser (NM_001171971.3); short protein forms P350S.
Identifiers: ClinVar variation 1042747 (VCV001042747.10), dbSNP rs1842263819, ClinGen allele CA377374570.